The following is an entry in ClinVar:

ClinVar aggregate classification (germline): Pathogenic. Review status: criteria provided, multiple submitters, no conflicts (2 of 4 stars). 2 submissions from 2 submitters: Pathogenic (2). Last evaluated 2025-12-05.

Conditions:
Hereditary cancer-predisposing syndrome. Also called: Hereditary neoplastic syndrome; Tumor predisposition; Hereditary Cancer Syndrome; Neoplastic Syndromes, Hereditary. Identifiers: Orphanet 140162, MedGen C0027672, MeSH D009386, MONDO:0015356.
Hereditary nonpolyposis colorectal neoplasms. Identifiers: MedGen C0009405, MeSH D003123.

Submissions (2):

Ambry Genetics
Classification: Pathogenic for Hereditary cancer-predisposing syndrome. Last evaluated: 2025-12-05. Review status: criteria provided, single submitter. Criteria: Ambry Variant Classification Scheme 2023. Collection method: clinical testing. Allele origin: germline.
Comment: The c.3599_3612del14 pathogenic mutation, located in coding exon 7 of the MSH6 gene, results from a deletion of 14 nucleotides at nucleotide positions 3599 to 3612, causing a translational frameshift with a predicted alternate stop codon (p.I1200Nfs*10). This alteration is expected to result in loss of function by premature protein truncation or nonsense-mediated mRNA decay. As such, this alteration is interpreted as a disease-causing mutation.

Labcorp Genetics (formerly Invitae), Labcorp
Classification: Pathogenic for Hereditary nonpolyposis colorectal neoplasms. Last evaluated: 2024-02-05. Review status: criteria provided, single submitter. Criteria: Invitae Variant Classification Sherloc (09022015). Collection method: clinical testing. Allele origin: germline.
Comment: This sequence change creates a premature translational stop signal (p.Ile1200Asnfs*10) in the MSH6 gene. It is expected to result in an absent or disrupted protein product. Loss-of-function variants in MSH6 are known to be pathogenic (PMID: 18269114, 24362816). This variant is not present in population databases (gnomAD no frequency). This variant has not been reported in the literature in individuals affected with MSH6-related conditions. For these reasons, this variant has been classified as Pathogenic.

Literature cited by the submitters: PubMed 18269114 (cited by Labcorp Genetics (formerly Invitae), Labcorp); PubMed 24362816 (cited by Labcorp Genetics (formerly Invitae), Labcorp).

NM_000179.3(MSH6):c.3599_3612del (p.Ile1200fs)

Gene: MSH6 (mutS homolog 6; plus strand). Cytogenetic location: 2p16.3.
Variant type: Deletion.
Coding change: c.3599_3612del on transcript NM_000179.3 (MANE Select); coding-DNA positions 3599 to 3612, 14 bases deleted (TACTCATGCATGCA).
Protein change: p.Ile1200fs; shifts the reading frame from isoleucine 1200.
Molecular consequence: frameshift variant. On other transcripts: non-coding transcript variant (5).
Genome position (GRCh38, 1-based): chr2:47,805,660-47,805,673, TACTCATGCATGCA deleted; deleting any 14 consecutive bases within chr2:47,805,657-47,805,673 gives the same sequence; the c. name uses the placement nearest the transcript's 3' end. VCF-style (leftmost placement, unchanged base first): chr2-47805656-AGCATACTCATGCAT-A. GRCh37 (hg19) VCF-style: chr2-48032795-AGCATACTCATGCAT-A.
Other names: c.3599_3612del14 (NM_000179.2); c.3209_3222del, p.Ile1070fs (NM_001281492.2); c.2693_2706del, p.Ile898fs (NM_001281493.2, NM_001281494.2, NM_001406811.1 and 6 more transcripts); c.3695_3708del, p.Ile1232fs (NM_001406795.1, NM_001406802.1); c.3599_3612del, p.Ile1200fs (NM_001406796.1, NM_001406800.1, NM_001406808.1 and 1 more transcripts); c.3302_3315del, p.Ile1101fs (NM_001406797.1, NM_001406801.1, NM_001406805.1 and 10 more transcripts); c.3425_3438del, p.Ile1142fs (NM_001406798.1); c.3074_3087del, p.Ile1025fs (NM_001406799.1, NM_001406806.1, NM_001406807.1); and 8 more; short protein forms I1070fs, I1144fs, I1202fs, I1232fs, I515fs, I1025fs, I1200fs, I149fs.
Identifiers: ClinVar variation 3638919 (VCV003638919.3).
Genomic context (GRCh38, chr2:47,805,656, plus strand): 5'-TTGTGATTTTTTTTTTTTTAAGGTGAAAGTACATTTTTTGTTGAATTAAGTGAAACTGCC[AGCATACTCATGCAT>A]GCAACAGCACATTCTCTGGTGCTTGTGGATGAATTAGGTAAGACATTAAACTTCTCATTT-3'